The following is an entry in ClinVar:

NM_000539.3(RHO):c.165C>G (p.Asn55Lys)

Gene: RHO (rhodopsin; plus strand). Cytogenetic location: 3q22.1.
Variant type: single nucleotide variant.
Coding change: c.165C>G on transcript NM_000539.3 (MANE Select); coding-DNA position 165, C replaced by G.
Protein change: p.Asn55Lys; replaces asparagine 55 with lysine.
Molecular consequence: missense variant.
Genome position (GRCh38, 1-based): chr3:129,528,898, C>G. VCF-style: chr3-129528898-C-G. GRCh37 (hg19) VCF-style: chr3-129247741-C-G.
Other names: short protein forms N55K.
Identifiers: ClinVar variation 1353767 (VCV001353767.6), dbSNP rs1312862210, ClinGen allele CA354496002.
Genomic context (GRCh38, chr3:129,528,898, plus strand): 5'-GCAGTTCTCCATGCTGGCCGCCTACATGTTTCTGCTGATCGTGCTGGGCTTCCCCATCAA[C>G]TTCCTCACGCTCTACGTCACCGTCCAGCACAAGAAGCTGCGCACGCCTCTCAACTACATC-3'
Protein context (NP_000530.1, residues 45-65): FLLIVLGFPI[Asn55Lys]FLTLYVTVQH

ClinVar aggregate classification (germline): Pathogenic (1 of 4 stars; one submission).

Submission:

Labcorp Genetics (formerly Invitae), Labcorp
Classification: Pathogenic. Last evaluated: 2025-03-17. Review status: criteria provided, single submitter. Criteria: Invitae Variant Classification Sherloc (09022015). Collection method: clinical testing. Allele origin: germline.
Comment: This sequence change replaces asparagine, which is neutral and polar, with lysine, which is basic and polar, at codon 55 of the RHO protein (p.Asn55Lys). This variant is not present in population databases (gnomAD no frequency). A different variant (c.165C>A) giving rise to the same protein effect has been determined to be pathogenic (PMID: 25359768). This suggests that this variant is also likely to be causative of disease. ClinVar contains an entry for this variant (Variation ID: 1353767). Invitae Evidence Modeling of protein sequence and biophysical properties (such as structural, functional, and spatial information, amino acid conservation, physicochemical variation, residue mobility, and thermodynamic stability) indicates that this missense variant is expected to disrupt RHO protein function with a positive predictive value of 95%. For these reasons, this variant has been classified as Pathogenic.

Literature cited by the submitters: PubMed 25359768.